The following is an entry in ClinVar:

ClinVar aggregate classification (germline): Conflicting classifications of pathogenicity. Review status: criteria provided, conflicting classifications (1 of 4 stars). 8 submissions from 8 submitters: Uncertain significance (4); Benign (1); Likely benign (3). Last evaluated 2026-03-08.

Conditions:
FBN2-related disorder. Also called: FBN2-related condition.
Familial thoracic aortic aneurysm and aortic dissection (TAAD). Also called: Thoracic aortic aneurysms and dissections. Identifiers: Orphanet 91387, MedGen C4707243, MONDO:0019625.
Ehlers-Danlos syndrome (EDS). Identifiers: Orphanet 98249, MedGen C0013720, MONDO:0020066.
Congenital contractural arachnodactyly (CCA). Also called: BEALS SYNDROME; Beals-Hecht syndrome; Arthrogryposis, distal, type 9. Identifiers: Orphanet 115, MedGen C0220668, MONDO:0007363, OMIM 121050.

Allele frequency attached by ClinVar (database versions not stated): gnomAD exomes 0.00002 and 0.00004; ExAC 0.00007; gnomAD 0.00007 and 0.00010; 1000 Genomes Project 30x 0.00016; TOPMed 0.00017; 1000 Genomes Project 0.00020; ESP Exome Variant Server 0.00031.
gnomAD v4.1: 45 of 1,608,176 alleles (0.0028%); highest among the groups gnomAD compares: African/African-American, 0.035%; no homozygotes.

Submissions (8):

PreventionGenetics, part of Exact Sciences
Classification: Likely benign for FBN2-related condition. Last evaluated: 2026-03-08. Review status: criteria provided, single submitter. Criteria: ACMG Guidelines, 2015. Collection method: clinical testing. Allele origin: germline.
Comment: This variant is classified as likely benign based on ACMG/AMP sequence variant interpretation guidelines (Richards et al. 2015 PMID: 25741868, with internal and published modifications).

Labcorp Genetics (formerly Invitae), Labcorp
Classification: Benign for Congenital contractural arachnodactyly. Last evaluated: 2025-11-23. Review status: criteria provided, single submitter. Criteria: Invitae Variant Classification Sherloc (09022015). Collection method: clinical testing. Allele origin: germline.

CeGaT Center for Human Genetics Tuebingen
Classification: Uncertain significance. Last evaluated: 2024-03-01. Review status: criteria provided, single submitter. Criteria: CeGaT Center For Human Genetics Tuebingen Variant Classification Criteria Version 2. Collection method: clinical testing. Allele origin: germline. Affected: yes. Observed: 1 variant allele.

Blueprint Genetics
Classification: Likely benign. Last evaluated: 2024-02-16. Review status: criteria provided, single submitter. Criteria: ACMG Guidelines, 2015. Collection method: clinical testing. Allele origin: germline.

Women's Health and Genetics/Laboratory Corporation of America, LabCorp
Classification: Uncertain significance. Last evaluated: 2023-08-24. Review status: criteria provided, single submitter. Criteria: LabCorp Variant Classification Summary - May 2015. Collection method: clinical testing. Allele origin: germline.

Genome Diagnostics Laboratory, The Hospital for Sick Children
Classification: Likely benign for Ehlers-Danlos syndrome. Last evaluated: 2022-06-10. Review status: criteria provided, single submitter. Criteria: ACMG Guidelines, 2015. Collection method: clinical testing. Allele origin: germline.

Ambry Genetics
Classification: Uncertain significance for Familial thoracic aortic aneurysm and aortic dissection. Last evaluated: 2021-08-06. Review status: criteria provided, single submitter. Criteria: Ambry Variant Classification Scheme 2023. Collection method: clinical testing. Allele origin: germline.
Comment: The p.G53S variant (also known as c.157G>A), located in coding exon 1 of the FBN2 gene, results from a G to A substitution at nucleotide position 157. The glycine at codon 53 is replaced by serine, an amino acid with similar properties. This amino acid position is well conserved in available vertebrate species. In addition, the in silico prediction for this alteration is inconclusive. Since supporting evidence is limited at this time, the clinical significance of this alteration remains unclear.

GeneDx
Classification: Uncertain significance. Last evaluated: 2015-05-07. Review status: criteria provided, single submitter. Criteria: GeneDx Variant Classification (06012015). Collection method: clinical testing. Allele origin: germline. Affected: yes.
Comment: p.Gly53Ser (G53S) GGC>AGC: c.157 G>A in exon 1 of the FBN2 gene (NM_001999.3) The G53S variant has not been published as a mutation, nor has it been reported as a benign polymorphism to our knowledge. The G53S variant was not observed with any significant frequency in approximately 6500 individuals of European and African American ancestry in the NHLBI Exome Sequencing Project, indicating it is not a common benign variant in these populations. Furthermore, the G53S variant is a non-conservative amino acid substitution, which is likely to impact secondary protein structure as these residues differ in polarity, charge, size and/or other properties. Although a missense mutation in the same residue (G53D) has been reported in association with adolescent idiopathic scoliosis, other missense mutations in nearby residues have not been reported, indicating this region may be tolerant of change. Additionally, this substitution occurs at a position that is not conserved among species. In silico analysis is inconsistent in its predictions as to whether or not the variant is damaging to the protein structure/function. Therefore, based on the currently available information, it is unclear whether this variant is a pathogenic mutation or a rare benign variant. This variant was found in TAADV2-PANCARD

NM_001999.4(FBN2):c.157G>A (p.Gly53Ser)

Gene: FBN2 (fibrillin 2; minus strand). Cytogenetic location: 5q23.3.
Variant type: single nucleotide variant.
Coding change: c.157G>A on transcript NM_001999.4 (MANE Select); coding-DNA position 157, G replaced by A.
Protein change: p.Gly53Ser; replaces glycine 53 with serine.
Molecular consequence: missense variant.
Genome position (GRCh38, 1-based): chr5:128,537,447, C>T on the plus strand (G>A on the coding strand, the complement: FBN2 is on the minus strand). VCF-style: chr5-128537447-C-T. GRCh37 (hg19) VCF-style: chr5-127873140-C-T.
Other names: short protein forms G53S.
Identifiers: ClinVar variation 213264 (VCV000213264.42), dbSNP rs146807421, ClinGen allele CA324262.
Genomic context (GRCh38, chr5:128,537,447, plus strand): 5'-GGCTGGCCACTGCGGCACCCTCCTCGCGATACTCGGGCGCTAGAAACCCGCCTTCAGAGC[C>T]TGCTGTAGCGGACCGAACCTGTTGCGGCGGCGGCTGGGGCCGGGGCGGCTTGGGCGGAGG-3'
Protein context (NP_001990.2, residues 43-63): PPQQVRSATA[Gly53Ser]SEGGFLAPEY